The following is an entry in ClinVar:

NM_000179.3(MSH6):c.165_174del (p.Gly56fs)

Gene: MSH6 (mutS homolog 6; plus strand). Cytogenetic location: 2p16.3.
Variant type: Deletion.
Coding change: c.165_174del on transcript NM_000179.3 (MANE Select); coding-DNA positions 165 to 174, 10 bases deleted (TGGGCCCAGG; older notation c.165_174delTGGGCCCAGG).
Protein change: p.Gly56fs; shifts the reading frame from glycine 56.
Molecular consequence: frameshift variant. On other transcripts: 5 prime UTR variant (1).
Genome position (GRCh38, 1-based): chr2:47,783,398-47,783,407, TGGGCCCAGG deleted. VCF-style (leftmost placement, unchanged base first): chr2-47783397-CTGGGCCCAGG-C. GRCh37 (hg19) VCF-style: chr2-48010536-CTGGGCCCAGG-C.
Other names: c.165_174del, p.Gly56fs (NM_001281492.2); c.-572_-563del (NM_001281493.2); c.165_174delTGGGCCCAGG, p.Gly56Profs (NM_001406795.1, NM_001406796.1, NM_001406798.1 and 8 more transcripts); c.-164_-155delTGGGCCCAGG (NM_001406799.1); c.110_119delTGGGCCCAGG, p.Leu37Profs (NM_001406804.1); c.-764_-755delTGGGCCCAGG (NM_001406807.1); c.-572_-563delTGGGCCCAGG (NM_001406811.1); c.-419_-410delTGGGCCCAGG (NM_001406812.1); and 3 more; short protein forms G56fs.
Identifiers: ClinVar variation 1777235 (VCV001777235.2), dbSNP rs2530319996, ClinGen allele CA2580067075.

ClinVar aggregate classification (germline): Pathogenic (1 of 4 stars; one submission).

Conditions:
Hereditary cancer-predisposing syndrome. Also called: Neoplastic Syndromes, Hereditary; Tumor predisposition; Hereditary Cancer Syndrome; Hereditary neoplastic syndrome. Identifiers: Orphanet 140162, MedGen C0027672, MeSH D009386, MONDO:0015356.

Submission:

Ambry Genetics
Classification: Pathogenic for Hereditary cancer-predisposing syndrome. Last evaluated: 2018-10-30. Review status: criteria provided, single submitter. Criteria: Ambry Variant Classification Scheme 2023. Collection method: clinical testing. Allele origin: germline.
Comment: The c.165_174del10 pathogenic mutation, located in coding exon 1 of the MSH6 gene, results from a deletion of 10 nucleotides at nucleotide positions 165 to 174, causing a translational frameshift with a predicted alternate stop codon (p.G56Pfs*22). This alteration is expected to result in loss of function by premature protein truncation or nonsense-mediated mRNA decay. As such, this alteration is interpreted as a disease-causing mutation.